The following is an entry in ClinVar:

NM_014000.3(VCL):c.812C>A (p.Ala271Asp)

Gene: VCL (vinculin; plus strand). Cytogenetic location: 10q22.2.
Variant type: single nucleotide variant.
Coding change: c.812C>A on transcript NM_014000.3 (MANE Select); coding-DNA position 812, C replaced by A.
Protein change: p.Ala271Asp; replaces alanine 271 with aspartic acid.
Molecular consequence: missense variant.
Genome position (GRCh38, 1-based): chr10:74,082,482, C>A. VCF-style: chr10-74082482-C-A. GRCh37 (hg19) VCF-style: chr10-75842240-C-A.
Other names: c.812C>A, p.Ala271Asp (NM_003373.4); short protein forms A271D.
Identifiers: ClinVar variation 3331943 (VCV003331943.2).

ClinVar aggregate classification (germline): Uncertain significance. Review status: criteria provided, multiple submitters, no conflicts (2 of 4 stars). 2 submissions from 2 submitters: Uncertain significance (2). Last evaluated 2025-11-20.

Conditions:
Dilated cardiomyopathy 1W (CMD1W). Identifiers: Orphanet 154, MedGen C1969639, MONDO:0012667, OMIM 611407.
Cardiovascular phenotype. Identifiers: MedGen CN230736.

Submissions (2):

Labcorp Genetics (formerly Invitae), Labcorp
Classification: Uncertain significance for Dilated cardiomyopathy 1W. Last evaluated: 2025-11-20. Review status: criteria provided, single submitter. Criteria: Invitae Variant Classification Sherloc (09022015). Collection method: clinical testing. Allele origin: germline.
Comment: This sequence change replaces alanine, which is neutral and non-polar, with aspartic acid, which is acidic and polar, at codon 271 of the VCL protein (p.Ala271Asp). This variant is not present in population databases (gnomAD no frequency). This variant has not been reported in the literature in individuals affected with VCL-related conditions. ClinVar contains an entry for this variant (Variation ID: 3331943). An algorithm developed to predict the effect of missense changes on protein structure and function (PolyPhen-2) suggests that this variant is likely to be disruptive. In summary, the available evidence is currently insufficient to determine the role of this variant in disease. Therefore, it has been classified as a Variant of Uncertain Significance.

Ambry Genetics
Classification: Uncertain significance for Cardiovascular phenotype. Last evaluated: 2024-06-22. Review status: criteria provided, single submitter. Criteria: Ambry Variant Classification Scheme 2023. Collection method: clinical testing. Allele origin: germline.
Comment: The p.A271D variant (also known as c.812C>A), located in coding exon 7 of the VCL gene, results from a C to A substitution at nucleotide position 812. The alanine at codon 271 is replaced by aspartic acid, an amino acid with dissimilar properties. This amino acid position is conserved. In addition, this alteration is predicted to be tolerated by in silico analysis. Based on the available evidence, the clinical significance of this variant remains unclear.